The following is an entry in ClinVar:

NM_002226.5(JAG2):c.1382-6C>T

Gene: JAG2 (jagged canonical Notch ligand 2; minus strand). Cytogenetic location: 14q32.33.
Variant type: single nucleotide variant.
Coding change: c.1382-6C>T on transcript NM_002226.5 (MANE Select); 6 bases into the intron before coding-DNA position 1382, C replaced by T.
Molecular consequence: intron variant.
Genome position (GRCh38, 1-based): chr14:105,150,917, G>A on the plus strand (C>T on the coding strand, the complement: JAG2 is on the minus strand). VCF-style: chr14-105150917-G-A. GRCh37 (hg19) VCF-style: chr14-105617254-G-A.
Other names: c.1268-6C>T (NM_145159.3).
Identifiers: ClinVar variation 3043156 (VCV003043156.2), dbSNP rs771491190, ClinGen allele CA7386033.

ClinVar aggregate classification (germline): Likely benign (0 of 4 stars; one submission).

Conditions:
JAG2-related disorder. Also called: JAG2-related condition.

Allele frequency attached by ClinVar (database versions not stated): gnomAD 0.00001; gnomAD exomes 0.00002; TOPMed 0.00004; ExAC 0.00015.
gnomAD v4.1: 28 of 1,595,218 alleles (0.0018%); highest among the groups gnomAD compares: Admixed American, 0.045%; no homozygotes.

Submission:

PreventionGenetics, part of Exact Sciences
Classification: Likely benign for JAG2-related condition. Last evaluated: 2019-08-08. Review status: no assertion criteria provided. Collection method: clinical testing. Allele origin: germline.
Comment: This variant is classified as likely benign based on ACMG/AMP sequence variant interpretation guidelines (Richards et al. 2015 PMID: 25741868, with internal and published modifications).